The following is an entry in ClinVar:

NM_005912.3(MC4R):c.124G>A (p.Glu42Lys)

Gene: MC4R (melanocortin 4 receptor; minus strand). Cytogenetic location: 18q21.32.
Variant type: single nucleotide variant.
Coding change: c.124G>A on transcript NM_005912.3 (MANE Select); coding-DNA position 124, G replaced by A.
Protein change: p.Glu42Lys; replaces glutamic acid 42 with lysine.
Molecular consequence: missense variant.
Genome position (GRCh38, 1-based): chr18:60,372,226, C>T on the plus strand (G>A on the coding strand, the complement: MC4R is on the minus strand). VCF-style: chr18-60372226-C-T. GRCh37 (hg19) VCF-style: chr18-58039459-C-T.
Other names: short protein forms E42K.
Identifiers: ClinVar variation 3669807 (VCV003669807.2).
Genomic context (GRCh38, chr18:60,372,226, plus strand): 5'-TCTCCAACAAGCTGATGACACCCAGAGTCACAAACACCTCAGGAGAGACAAAAAGTTGCT[C>T]GTAGCACCCTCCATCAGAGTAGCCTTTTCCAAGGGACTCACTGGCATTGCTGTGCAGTCT-3'
Protein context (NP_005903.2, residues 32-52): GKGYSDGGCY[Glu42Lys]QLFVSPEVFV

ClinVar aggregate classification (germline): Uncertain significance (1 of 4 stars; one submission).

gnomAD v4.1: 35 of 1,614,092 alleles (0.0022%); highest among the groups gnomAD compares: Middle Eastern, 0.016%; no homozygotes.

Submission:

Labcorp Genetics (formerly Invitae), Labcorp
Classification: Uncertain significance. Last evaluated: 2025-01-30. Review status: criteria provided, single submitter. Criteria: Invitae Variant Classification Sherloc (09022015). Collection method: clinical testing. Allele origin: germline.
Comment: This sequence change replaces glutamic acid, which is acidic and polar, with lysine, which is basic and polar, at codon 42 of the MC4R protein (p.Glu42Lys). This variant is present in population databases (rs776051881, gnomAD 0.01%). This missense change has been observed in individual(s) with obesity (PMID: 20530052, 27654141, 31035493). Invitae Evidence Modeling of protein sequence and biophysical properties (such as structural, functional, and spatial information, amino acid conservation, physicochemical variation, residue mobility, and thermodynamic stability) indicates that this missense variant is not expected to disrupt MC4R protein function with a negative predictive value of 80%. In summary, the available evidence is currently insufficient to determine the role of this variant in disease. Therefore, it has been classified as a Variant of Uncertain Significance.

Literature cited by the submitters: PubMed 20530052; PubMed 27654141; PubMed 31035493.